The following is an entry in ClinVar:

NM_145046.5(CALR3):c.743A>C (p.Asp248Ala)

Gene: CALR3 (calreticulin 3; minus strand). Cytogenetic location: 19p13.11.
Variant type: single nucleotide variant.
Coding change: c.743A>C on transcript NM_145046.5 (MANE Select); coding-DNA position 743, A replaced by C.
Protein change: p.Asp248Ala; replaces aspartic acid 248 with alanine.
Molecular consequence: missense variant.
Genome position (GRCh38, 1-based): chr19:16,482,721, T>G on the plus strand (A>C on the coding strand, the complement: CALR3 is on the minus strand). VCF-style: chr19-16482721-T-G. GRCh37 (hg19) VCF-style: chr19-16593532-T-G.
Other names: short protein forms D248A.
Identifiers: ClinVar variation 2053221 (VCV002053221.4), dbSNP rs10411092, ClinGen allele CA9278304.

ClinVar aggregate classification (germline): Uncertain significance (1 of 4 stars; one submission).

Conditions:
Hypertrophic cardiomyopathy 19. Also called: Familial hypertrophic cardiomyopathy 19. Identifiers: MedGen CN077603, MONDO:0013476.

Allele frequency attached by ClinVar (database versions not stated): gnomAD exomes below 0.00001; ExAC 0.00001.
gnomAD v4.1: 6 of 1,614,006 alleles (0.00037%); highest among the groups gnomAD compares: South Asian, 0.0066%; no homozygotes.

Submission:

Labcorp Genetics (formerly Invitae), Labcorp
Classification: Uncertain significance for Hypertrophic cardiomyopathy 19. Last evaluated: 2022-06-01. Review status: criteria provided, single submitter. Criteria: Invitae Variant Classification Sherloc (09022015). Collection method: clinical testing. Allele origin: germline.
Comment: This sequence change replaces aspartic acid, which is acidic and polar, with alanine, which is neutral and non-polar, at codon 248 of the CALR3 protein (p.Asp248Ala). This variant is present in population databases (rs10411092, gnomAD 0.003%). This variant has not been reported in the literature in individuals affected with CALR3-related conditions. Algorithms developed to predict the effect of missense changes on protein structure and function are either unavailable or do not agree on the potential impact of this missense change (SIFT: "Tolerated"; PolyPhen-2: "Possibly Damaging"; Align-GVGD: "Class C0"). In summary, the available evidence is currently insufficient to determine the role of this variant in disease. Therefore, it has been classified as a Variant of Uncertain Significance.